The following is an entry in ClinVar:

ClinVar aggregate classification (germline): Conflicting classifications of pathogenicity. Review status: criteria provided, conflicting classifications (1 of 4 stars). 4 submissions from 4 submitters: Uncertain significance (1); Likely benign (2). 1 of the submissions does not count toward it. Last evaluated 2025-08-17.

Conditions:
Amyotrophic lateral sclerosis type 1 (ALS1). Also called: AMYOTROPHIC LATERAL SCLEROSIS 1, FAMILIAL. Identifiers: Orphanet 803, MedGen C1862939, MONDO:0007103, OMIM 105400.
Perry syndrome. Also called: PARKINSONISM WITH ALVEOLAR HYPOVENTILATION AND MENTAL DEPRESSION. Identifiers: Orphanet 178509, MedGen C1868594, MONDO:0008201, OMIM 168605.
Neuronopathy, distal hereditary motor, type 7B. Also called: Distal Hereditary Motor Neuronopathy Type 7B (dHMN7B); NEURONOPATHY, DISTAL HEREDITARY MOTOR, AUTOSOMAL DOMINANT 14; NEURONOPATHY, DISTAL HEREDITARY MOTOR, HARDING TYPE VIIB; NEUROPATHY, DISTAL HEREDITARY MOTOR, HARDING TYPE VIIB; NEUROPATHY, DISTAL HEREDITARY MOTOR, WITH VOCAL CORD PARALYSIS, HARDING TYPE VIIB; LOWER MOTOR NEURON DISEASE, DYNACTIN TYPE. Identifiers: Orphanet 139589, MedGen C1843315, MONDO:0011879, OMIM 607641.
DCTN1-related disorder. Also called: DCTN1-related condition.
Inborn genetic diseases. Identifiers: MedGen C0950123, MeSH D030342.

Allele frequency attached by ClinVar (database versions not stated): ExAC 0.00005; gnomAD exomes 0.00005 and 0.00008; TOPMed 0.00005; gnomAD 0.00006.
gnomAD v4.1: 88 of 1,614,014 alleles (0.0055%); highest among the groups gnomAD compares: Non-Finnish European, 0.00093%; no homozygotes.

Submissions (4):

Labcorp Genetics (formerly Invitae), Labcorp
Classification: Likely benign for Amyotrophic lateral sclerosis type 1; Neuronopathy, distal hereditary motor, type 7B; Perry syndrome. Last evaluated: 2025-08-17. Review status: criteria provided, single submitter. Criteria: Invitae Variant Classification Sherloc (09022015). Collection method: clinical testing. Allele origin: germline.

Ambry Genetics
Classification: Likely benign for Inborn genetic diseases. Last evaluated: 2024-01-02. Review status: criteria provided, single submitter. Criteria: Ambry Variant Classification Scheme 2023. Collection method: clinical testing. Allele origin: germline.

GeneDx
Classification: Uncertain significance. Last evaluated: 2017-03-30. Review status: criteria provided, single submitter. Criteria: GeneDx Variant Classification (06012015). Collection method: clinical testing. Allele origin: germline. Affected: yes.
Comment: The L1004V variant in the DCTN1 gene has not been reported previously as a pathogenic variant, nor as a benign variant, to our knowledge. This variant is observed in 6/66712 (0.009%) alleles from individuals of non-Finnish European background in the ExAC dataset (Lek et al., 2016). The L1004V variant is a conservative amino acid substitution, which is not likely to impact secondary protein structure as these residues share similar properties. This substitution occurs at a position where amino acids with similar properties to Leucine are tolerated across species. In silico analysis is inconsistent in its predictions as to whether or not the variant is damaging to the protein structure/function. We interpret L1004V as a variant of uncertain significance.

PreventionGenetics, part of Exact Sciences
Classification: Likely benign for DCTN1-related condition. Last evaluated: 2022-12-28. Review status: no assertion criteria provided. Collection method: clinical testing. Allele origin: germline. Not counted in ClinVar's aggregate classification.
Comment: This variant is classified as likely benign based on ACMG/AMP sequence variant interpretation guidelines (Richards et al. 2015 PMID: 25741868, with internal and published modifications).

NM_004082.5(DCTN1):c.3010C>G (p.Leu1004Val)

Gene: DCTN1 (dynactin subunit 1; minus strand). Cytogenetic location: 2p13.1.
Variant type: single nucleotide variant.
Coding change: c.3010C>G on transcript NM_004082.5 (MANE Select); coding-DNA position 3010, C replaced by G.
Protein change: p.Leu1004Val; replaces leucine 1004 with valine.
Molecular consequence: missense variant. On other transcripts: non-coding transcript variant (1).
Genome position (GRCh38, 1-based): chr2:74,365,534, G>C on the plus strand (C>G on the coding strand, the complement: DCTN1 is on the minus strand). VCF-style: chr2-74365534-G-C. GRCh37 (hg19) VCF-style: chr2-74592661-G-C.
Other names: c.2950C>G, p.Leu984Val (NM_001135040.3); c.2608C>G, p.Leu870Val (NM_001135041.3, NM_023019.4); c.2899C>G, p.Leu967Val (NM_001190836.2); c.2989C>G, p.Leu997Val (NM_001190837.2); c.2959C>G, p.Leu987Val (NM_001378991.1); c.2941C>G, p.Leu981Val (NM_001378992.1); short protein forms L1004V, L870V, L967V, L997V, L984V, L981V, L987V.
Identifiers: ClinVar variation 424552 (VCV000424552.15), dbSNP rs758387062, ClinGen allele CA1721654.